The following is an entry in ClinVar:

NM_014476.6(PDLIM3):c.334G>A (p.Gly112Arg)

Genes: PDLIM3 (PDZ and LIM domain 3; minus strand), LOC126807246 (BRD4-independent group 4 enhancer GRCh37_chr4:186434842-186436041; plus strand). Cytogenetic location: 4q35.1.
Variant type: single nucleotide variant.
Coding change: c.334G>A on transcript NM_014476.6 (MANE Select); coding-DNA position 334, G replaced by A.
Protein change: p.Gly112Arg; replaces glycine 112 with arginine.
Molecular consequence: missense variant. On other transcripts: intron variant (1).
Genome position (GRCh38, 1-based): chr4:185,514,334, C>T on the plus strand (G>A on the coding strand, the complement: PDLIM3 is on the minus strand). VCF-style: chr4-185514334-C-T. GRCh37 (hg19) VCF-style: chr4-186435488-C-T.
Other names: c.334G>A, p.Gly112Arg (NM_001257962.2); c.97G>A, p.Gly33Arg (NM_001257963.2); c.518+369G>A (NM_001114107.5); short protein forms G112R, G33R.
Identifiers: ClinVar variation 967683 (VCV000967683.8), dbSNP rs777447396, ClinGen allele CA3159811.

ClinVar aggregate classification (germline): Uncertain significance (1 of 4 stars; one submission).

Conditions:
Primary dilated cardiomyopathy (DCM). Also called: Dilated Cardiomyopathy. Identifiers: Orphanet 217604, MedGen C0007193, MeSH D002311, MONDO:0005021, HP:0001644. Inheritance: Various modes of inheritance.
Hypertrophic cardiomyopathy. Also called: HYPERTROPHIC MYOCARDIOPATHY. Identifiers: Orphanet 217569, MedGen C0007194, MeSH D002312, MONDO:0005045, HP:0001639.

Allele frequency attached by ClinVar (database versions not stated): gnomAD exomes 0.00001; ExAC 0.00002.
gnomAD v4.1: 4 of 1,614,156 alleles (0.00025%); highest among the groups gnomAD compares: East Asian, 0.0022%; no homozygotes.

Submission:

Labcorp Genetics (formerly Invitae), Labcorp
Classification: Uncertain significance for Hypertrophic cardiomyopathy; Primary dilated cardiomyopathy. Last evaluated: 2021-08-29. Review status: criteria provided, single submitter. Criteria: Invitae Variant Classification Sherloc (09022015). Collection method: clinical testing. Allele origin: germline.
Comment: In summary, the available evidence is currently insufficient to determine the role of this variant in disease. Therefore, it has been classified as a Variant of Uncertain Significance. Algorithms developed to predict the effect of sequence changes on RNA splicing suggest that this variant may create or strengthen a splice site. Algorithms developed to predict the effect of missense changes on protein structure and function are either unavailable or do not agree on the potential impact of this missense change (SIFT: "Deleterious"; PolyPhen-2: "Benign"; Align-GVGD: "Class C0"). This variant has not been reported in the literature in individuals affected with PDLIM3-related conditions. This variant is present in population databases (rs777447396, ExAC 0.02%). This sequence change replaces glycine with arginine at codon 112 of the PDLIM3 protein (p.Gly112Arg). The glycine residue is weakly conserved and there is a moderate physicochemical difference between glycine and arginine.